The following is an entry in ClinVar:

ClinVar aggregate classification (germline): Uncertain significance (1 of 4 stars; one submission).

Submission:

Women's Health and Genetics/Laboratory Corporation of America, LabCorp
Classification: Uncertain significance. Last evaluated: 2024-06-19. Review status: criteria provided, single submitter. Criteria: LabCorp Variant Classification Summary - May 2015. Collection method: clinical testing. Allele origin: germline.
Comment: Variant summary: ATAD3A c.906+4G>C alters a non-conserved nucleotide located close to a canonical splice site and therefore could affect mRNA splicing, leading to a significantly altered protein sequence. Consensus agreement among computation tools predict no significant impact on normal splicing. However, these predictions have yet to be confirmed by functional studies. The variant was absent in 236934 control chromosomes. The available data on variant occurrences in the general population are insufficient to allow any conclusion about variant significance. To our knowledge, no occurrence of c.906+4G>C in individuals affected with Harel-Yoon Syndrome Recessive and no experimental evidence demonstrating its impact on protein function have been reported. No submitters have cited clinical-significance assessments for this variant to ClinVar. Based on the evidence outlined above, the variant was classified as uncertain significance.

NM_001170535.3(ATAD3A):c.906+4G>C

Gene: ATAD3A (ATPase family AAA domain containing 3A; plus strand). Cytogenetic location: 1p36.33.
Variant type: single nucleotide variant.
Coding change: c.906+4G>C on transcript NM_001170535.3 (MANE Select); 4 bases into the intron after coding-DNA position 906, G replaced by C.
Molecular consequence: intron variant.
Genome position (GRCh38, 1-based): chr1:1,522,903, G>C. VCF-style: chr1-1522903-G-C. GRCh37 (hg19) VCF-style: chr1-1458283-G-C.
Other names: c.1050+4G>C (NM_018188.5); c.669+4G>C (NM_001170536.3).
Identifiers: ClinVar variation 3339970 (VCV003339970.1).